The following is an entry in ClinVar:

ClinVar aggregate classification (germline): Uncertain significance (1 of 4 stars; one submission).

gnomAD v4.1: 1 of 1,204,445 alleles (0.000083%); highest among the groups gnomAD compares: Non-Finnish European, 0.00011%; no homozygotes.

Submission:

CeGaT Center for Human Genetics Tuebingen
Classification: Uncertain significance. Last evaluated: 2025-11-01. Review status: criteria provided, single submitter. Criteria: CeGaT Center For Human Genetics Tuebingen Variant Classification Criteria Version 2. Collection method: clinical testing. Allele origin: germline. Affected: yes. Observed: 1 variant allele.
Comment: PPP1R3F: PM2

NM_033215.5(PPP1R3F):c.733T>C (p.Phe245Leu)

Gene: PPP1R3F (protein phosphatase 1 regulatory subunit 3F; plus strand). Cytogenetic location: Xp11.23.
Variant type: single nucleotide variant.
Coding change: c.733T>C on transcript NM_033215.5 (MANE Select); coding-DNA position 733, T replaced by C.
Protein change: p.Phe245Leu; replaces phenylalanine 245 with leucine.
Molecular consequence: missense variant. On other transcripts: intron variant (1).
Genome position (GRCh38, 1-based): chrX:49,270,602, T>C. VCF-style: chrX-49270602-T-C. GRCh37 (hg19) VCF-style: chrX-49127065-T-C.
Other names: c.-32+669T>C (NM_001184745.2); short protein forms F245L.
Identifiers: ClinVar variation 4534216 (VCV004534216.6).